The following is an entry in ClinVar:

ClinVar aggregate classification (germline): Uncertain significance (1 of 4 stars; one submission).

Submission:

Labcorp Genetics (formerly Invitae), Labcorp
Classification: Uncertain significance. Last evaluated: 2023-10-16. Review status: criteria provided, single submitter. Criteria: Invitae Variant Classification Sherloc (09022015). Collection method: clinical testing. Allele origin: germline.
Comment: This sequence change replaces methionine, which is neutral and non-polar, with valine, which is neutral and non-polar, at codon 310 of the SCN3A protein (p.Met310Val). This variant is not present in population databases (gnomAD no frequency). This variant has not been reported in the literature in individuals affected with SCN3A-related conditions. Advanced modeling of protein sequence and biophysical properties (such as structural, functional, and spatial information, amino acid conservation, physicochemical variation, residue mobility, and thermodynamic stability) performed at Invitae indicates that this missense variant is not expected to disrupt SCN3A protein function. In summary, the available evidence is currently insufficient to determine the role of this variant in disease. Therefore, it has been classified as a Variant of Uncertain Significance.

NM_006922.4(SCN3A):c.928A>G (p.Met310Val)

Gene: SCN3A (sodium voltage-gated channel alpha subunit 3; minus strand). Cytogenetic location: 2q24.3.
Variant type: single nucleotide variant.
Coding change: c.928A>G on transcript NM_006922.4 (MANE Select); coding-DNA position 928, A replaced by G.
Protein change: p.Met310Val; replaces methionine 310 with valine.
Molecular consequence: missense variant.
Genome position (GRCh38, 1-based): chr2:165,162,595, T>C on the plus strand (A>G on the coding strand, the complement: SCN3A is on the minus strand). VCF-style: chr2-165162595-T-C. GRCh37 (hg19) VCF-style: chr2-166019105-T-C.
Other names: c.928A>G, p.Met310Val (NM_001081676.2, NM_001081677.2); short protein forms M310V.
Identifiers: ClinVar variation 2808103 (VCV002808103.3), dbSNP rs776260027, ClinGen allele CA349238941.
Genomic context (GRCh38, chr2:165,162,595, plus strand): 5'-ACATAATGTAATACTTCTTACTGTCATCTCCAATGTAATCCTTCCAGTTAAATGTGCTCA[T>C]TGTTACATTAACAAATGTCCCATTTGAATCCATTGTGCCATTAAAGTAGGAAGTGGTGTT-3'
Protein context (NP_008853.3, residues 300-320): DSNGTFVNVT[Met310Val]STFNWKDYIG